The following is an entry in ClinVar:

NM_003001.5(SDHC):c.152C>G (p.Pro51Arg)

Gene: SDHC (succinate dehydrogenase complex subunit C; plus strand). Cytogenetic location: 1q23.3.
Variant type: single nucleotide variant.
Coding change: c.152C>G on transcript NM_003001.5 (MANE Select); coding-DNA position 152, C replaced by G.
Protein change: p.Pro51Arg; replaces proline 51 with arginine.
Molecular consequence: missense variant. On other transcripts: non-coding transcript variant (1), intron variant (4).
Genome position (GRCh38, 1-based): chr1:161,328,470, C>G. VCF-style: chr1-161328470-C-G. GRCh37 (hg19) VCF-style: chr1-161298260-C-G.
Other names: c.152C>G, p.Pro51Arg (NM_001035511.3, NM_001407115.1); c.95C>G, p.Pro32Arg (NM_001407116.1, NM_001407117.1, NM_001407121.1); c.41C>G, p.Pro14Arg (NM_001407119.1, NM_001407120.1); c.77+4800C>G (NM_001035512.3, NM_001278172.3, NM_001407118.1); c.21-12124C>G (NM_001035513.3); short protein forms P51R, P32R, P14R.
Identifiers: ClinVar variation 1524058 (VCV001524058.9), dbSNP rs1428542772, ClinGen allele CA343361247.

ClinVar aggregate classification (germline): Uncertain significance (1 of 4 stars; one submission).

Conditions:
Pheochromocytoma/paraganglioma syndrome 3. Also called: GLOMUS TUMORS, FAMILIAL, 3; Paragangliomas 3; SDHC-Related Hereditary Paraganglioma-Pheochromocytoma Syndrome (Paragangliomas 3); SDHC-Related Hereditary Paraganglioma-Pheochromocytoma Syndrome. Identifiers: Orphanet 29072, MedGen C1854336, MONDO:0011544, OMIM 605373.
Gastrointestinal stromal tumor. Also called: Gastrointestinal stromal tumor, somatic; Gastrointestinal stroma tumor. Identifiers: Orphanet 44890, MedGen C0238198, MeSH D046152, MONDO:0011719, OMIM 606764, HP:0100723.

Submission:

Labcorp Genetics (formerly Invitae), Labcorp
Classification: Uncertain significance for Pheochromocytoma/paraganglioma syndrome 3; Gastrointestinal stromal tumor. Last evaluated: 2024-04-22. Review status: criteria provided, single submitter. Criteria: Invitae Variant Classification Sherloc (09022015). Collection method: clinical testing. Allele origin: germline.
Comment: This sequence change replaces proline, which is neutral and non-polar, with arginine, which is basic and polar, at codon 51 of the SDHC protein (p.Pro51Arg). This variant is not present in population databases (gnomAD no frequency). This variant has not been reported in the literature in individuals affected with SDHC-related conditions. ClinVar contains an entry for this variant (Variation ID: 1524058). An algorithm developed to predict the effect of missense changes on protein structure and function (PolyPhen-2) suggests that this variant is likely to be disruptive. In summary, the available evidence is currently insufficient to determine the role of this variant in disease. Therefore, it has been classified as a Variant of Uncertain Significance.